The following is an entry in ClinVar:

NM_001761.3(CCNF):c.1638C>T (p.Ser546=)

Gene: CCNF (cyclin F; plus strand). Cytogenetic location: 16p13.3.
Variant type: single nucleotide variant.
Coding change: c.1638C>T on transcript NM_001761.3 (MANE Select); coding-DNA position 1638, C replaced by T.
Protein change: p.Ser546=; no amino-acid change (serine 546 retained).
Molecular consequence: synonymous variant.
Genome position (GRCh38, 1-based): chr16:2,453,460, C>T. VCF-style: chr16-2453460-C-T. GRCh37 (hg19) VCF-style: chr16-2503461-C-T.
Other names: c.714C>T, p.Ser238= (NM_001323538.2).
Identifiers: ClinVar variation 2646060 (VCV002646060.24), dbSNP rs778768659, ClinGen allele CA7842654.

ClinVar aggregate classification (germline): Likely benign (1 of 4 stars; one submission).

Allele frequency attached by ClinVar (database versions not stated): TOPMed below 0.00001; gnomAD exomes 0.00001; ExAC 0.00003.

Submission:

CeGaT Center for Human Genetics Tuebingen
Classification: Likely benign. Last evaluated: 2022-08-01. Review status: criteria provided, single submitter. Criteria: CeGaT Center For Human Genetics Tuebingen Variant Classification Criteria Version 2. Collection method: clinical testing. Allele origin: germline. Affected: yes. Observed: 1 variant allele.
Comment: CCNF: BP4, BP7